The following is an entry in ClinVar:

ClinVar aggregate classification (germline): Uncertain significance (1 of 4 stars; one submission).

Conditions:
Autosomal dominant spastic paraplegia type 9. Identifiers: MedGen C1832669, MONDO:0015091.
de Barsy syndrome. Also called: Cutis laxa-corneal clouding-oligophrenia syndrome. Identifiers: Orphanet 2962, MedGen C0268354, MONDO:0017569.
Cutis laxa, autosomal dominant 3 (ADCL3). Identifiers: Orphanet 90348, MedGen C4225268, MONDO:0014706, OMIM 616603.

Submission:

Labcorp Genetics (formerly Invitae), Labcorp
Classification: Uncertain significance for Autosomal dominant spastic paraplegia type 9; de Barsy syndrome; Cutis laxa, autosomal dominant 3. Last evaluated: 2022-07-29. Review status: criteria provided, single submitter. Criteria: Invitae Variant Classification Sherloc (09022015). Collection method: clinical testing. Allele origin: germline.
Comment: This variant has not been reported in the literature in individuals affected with ALDH18A1-related conditions. Algorithms developed to predict the effect of missense changes on protein structure and function output the following: SIFT: "Tolerated"; PolyPhen-2: "Benign"; Align-GVGD: "Class C0". The arginine amino acid residue is found in multiple mammalian species, which suggests that this missense change does not adversely affect protein function. In summary, the available evidence is currently insufficient to determine the role of this variant in disease. Therefore, it has been classified as a Variant of Uncertain Significance. This variant is not present in population databases (gnomAD no frequency). This sequence change replaces lysine, which is basic and polar, with arginine, which is basic and polar, at codon 124 of the ALDH18A1 protein (p.Lys124Arg).

NM_002860.4(ALDH18A1):c.371A>G (p.Lys124Arg)

Gene: ALDH18A1 (aldehyde dehydrogenase 18 family member A1; minus strand). Cytogenetic location: 10q24.1.
Variant type: single nucleotide variant.
Coding change: c.371A>G on transcript NM_002860.4 (MANE Select); coding-DNA position 371, A replaced by G.
Protein change: p.Lys124Arg; replaces lysine 124 with arginine.
Molecular consequence: missense variant. On other transcripts: intron variant (1).
Genome position (GRCh38, 1-based): chr10:95,637,369, T>C on the plus strand (A>G on the coding strand, the complement: ALDH18A1 is on the minus strand). VCF-style: chr10-95637369-T-C. GRCh37 (hg19) VCF-style: chr10-97397126-T-C.
Other names: c.371A>G, p.Lys124Arg (NM_001017423.2, NM_001323413.2, NM_001323414.2 and 2 more transcripts); c.38A>G, p.Lys13Arg (NM_001323412.2, NM_001323416.2, NM_001323418.2); c.-78-3720A>G (NM_001323419.2); short protein forms K13R, K124R.
Identifiers: ClinVar variation 1955731 (VCV001955731.5), dbSNP rs2526899951, ClinGen allele CA377706771.